The following is an entry in ClinVar:

NM_000179.3(MSH6):c.1208T>C (p.Leu403Pro)

Gene: MSH6 (mutS homolog 6; plus strand). Cytogenetic location: 2p16.3.
Variant type: single nucleotide variant.
Coding change: c.1208T>C on transcript NM_000179.3 (MANE Select); coding-DNA position 1208, T replaced by C.
Protein change: p.Leu403Pro; replaces leucine 403 with proline.
Molecular consequence: missense variant. On other transcripts: non-coding transcript variant (4), intron variant (1).
Genome position (GRCh38, 1-based): chr2:47,799,191, T>C. VCF-style: chr2-47799191-T-C. GRCh37 (hg19) VCF-style: chr2-48026330-T-C.
Other names: c.818T>C, p.Leu273Pro (NM_001281492.2); c.302T>C, p.Leu101Pro (NM_001281493.2, NM_001281494.2, NM_001406811.1 and 6 more transcripts); c.1304T>C, p.Leu435Pro (NM_001406795.1, NM_001406802.1); c.1208T>C, p.Leu403Pro (NM_001406796.1, NM_001406798.1, NM_001406800.1 and 4 more transcripts); c.911T>C, p.Leu304Pro (NM_001406797.1, NM_001406801.1, NM_001406805.1 and 10 more transcripts); c.683T>C, p.Leu228Pro (NM_001406799.1, NM_001406806.1, NM_001406807.1); c.1130T>C, p.Leu377Pro (NM_001406804.1); c.1214T>C, p.Leu405Pro (NM_001406813.1); and 2 more; short protein forms L101P, L228P, L273P, L304P, L347P, L377P, L403P, L405P.
Identifiers: ClinVar variation 3387059 (VCV003387059.1).

ClinVar aggregate classification (germline): Uncertain significance (1 of 4 stars; one submission).

Conditions:
Lynch syndrome. Identifiers: Orphanet 144, MedGen C4552100, MONDO:0005835. Disease mechanism: loss of function.

Submission:

All of Us Research Program, National Institutes of Health
Classification: Uncertain significance for Lynch syndrome. Last evaluated: 2024-04-25. Review status: criteria provided, single submitter. Criteria: ACMG Guidelines, 2015. Collection method: clinical testing. Allele origin: germline. Inheritance: Autosomal dominant inheritance. Observed: 1 variant allele, 1 heterozygote.
Comment: This missense variant replaces leucine with proline at codon 403 of the MSH6 protein. Computational prediction suggests that this variant may have deleterious impact on protein structure and function (internally defined REVEL score threshold >= 0.7, PMID: 27666373). To our knowledge, functional studies have not been reported for this variant. This variant has not been reported in individuals affected with MSH6-related disorders in the literature. This variant has not been identified in the general population by the Genome Aggregation Database (gnomAD). The available evidence is insufficient to determine the role of this variant in disease conclusively. Therefore, this variant is classified as a Variant of Uncertain Significance.

This study involves interpretation of variants in research participants for the purpose of population health screening. Participant phenotype was not available at the time of variant classification. Additional details can be found in publication PMID: 35346344, PMCID: PMC8962531